The following is an entry in ClinVar:

ClinVar aggregate classification (germline): Uncertain significance (1 of 4 stars; one submission).

Conditions:
Intellectual disability, autosomal recessive 53 (NEDHSCA). Also called: NEURODEVELOPMENTAL DISORDER WITH OR WITHOUT HYPOTONIA, SEIZURES, AND CEREBELLAR ATROPHY; GLYCOSYLPHOSPHATIDYLINOSITOL BIOSYNTHESIS DEFECT 13; Mental retardation, autosomal recessive 53. Identifiers: Orphanet 488635, MedGen C4310794, MONDO:0014832, OMIM 616917.

Allele frequency attached by ClinVar (database versions not stated): gnomAD exomes below 0.00001.
gnomAD v4.1: 2 of 1,607,684 alleles (0.00012%); highest among the groups gnomAD compares: South Asian, 0.0011%; no homozygotes.

Submission:

Labcorp Genetics (formerly Invitae), Labcorp
Classification: Uncertain significance for Intellectual disability, autosomal recessive 53. Last evaluated: 2019-11-20. Review status: criteria provided, single submitter. Criteria: Invitae Variant Classification Sherloc (09022015). Collection method: clinical testing. Allele origin: germline.
Comment: This variant has not been reported in the literature in individuals with PIGG-related conditions. This variant is not present in population databases (ExAC no frequency). This sequence change replaces threonine with proline at codon 189 of the PIGG protein (p.Thr189Pro). The threonine residue is moderately conserved and there is a small physicochemical difference between threonine and proline. Algorithms developed to predict the effect of missense changes on protein structure and function are either unavailable or do not agree on the potential impact of this missense change (SIFT: "Tolerated"; PolyPhen-2: "Probably Damaging"; Align-GVGD: "Class C0"). In summary, the available evidence is currently insufficient to determine the role of this variant in disease. Therefore, it has been classified as a Variant of Uncertain Significance.

NM_001127178.3(PIGG):c.565A>C (p.Thr189Pro)

Gene: PIGG (phosphatidylinositol glycan anchor biosynthesis class G (EMM blood group); plus strand). Cytogenetic location: 4p16.3.
Variant type: single nucleotide variant.
Coding change: c.565A>C on transcript NM_001127178.3 (MANE Select); coding-DNA position 565, A replaced by C.
Protein change: p.Thr189Pro; replaces threonine 189 with proline.
Molecular consequence: missense variant. On other transcripts: 5 prime UTR variant (4), non-coding transcript variant (10), intron variant (1).
Genome position (GRCh38, 1-based): chr4:505,922, A>C. VCF-style: chr4-505922-A-C. GRCh37 (hg19) VCF-style: chr4-499711-A-C.
Other names: c.298A>C, p.Thr100Pro (NM_001289051.2, NM_001289053.2, NM_001289057.2 and 2 more transcripts); c.199A>C, p.Thr67Pro (NM_001289055.2); c.-323A>C (NM_001345988.2); c.565A>C, p.Thr189Pro (NM_001345989.2, NM_017733.5); c.-1061A>C (NM_001345990.2); c.-923A>C (NM_001345991.2); c.-648A>C (NM_001345994.2); c.361-2907A>C (NM_001289052.2); short protein forms T189P, T67P, T100P.
Identifiers: ClinVar variation 837042 (VCV000837042.10), dbSNP rs1719512243, ClinGen allele CA355896114.
Genomic context (GRCh38, chr4:505,922, plus strand): 5'-TTATTCCCAAAGCATTTTGTGGAATATGATGGAACAACCTCATTTTTCGTGTCAGATTAC[A>C]CAGAGGTCAGTTTTTAAAATAAGAAAATATATCATACTAGAATATCATACTAGATAGAGC-3'
Protein context (NP_001120650.1, residues 179-199): GTTSFFVSDY[Thr189Pro]EVDNNVTRHL